The following is an entry in ClinVar:

ClinVar aggregate classification (germline): Likely benign (0 of 4 stars; one submission).

Conditions:
ARHGEF28-related disorder. Also called: ARHGEF28-related condition.

Allele frequency attached by ClinVar (database versions not stated): gnomAD exomes 0.00010; ExAC 0.00036; ESP Exome Variant Server 0.00078; TOPMed 0.00099; gnomAD 0.00112; 1000 Genomes Project 0.00140; 1000 Genomes Project 30x 0.00156.
gnomAD v4.1: 307 of 1,595,062 alleles (0.019%); highest among the groups gnomAD compares: African/African-American, 0.29%; 2 homozygotes.

Submission:

PreventionGenetics, part of Exact Sciences
Classification: Likely benign for ARHGEF28-related condition. Last evaluated: 2023-07-18. Review status: no assertion criteria provided. Collection method: clinical testing. Allele origin: germline.
Comment: This variant is classified as likely benign based on ACMG/AMP sequence variant interpretation guidelines (Richards et al. 2015 PMID: 25741868, with internal and published modifications).

NM_001177693.2(ARHGEF28):c.380G>C (p.Gly127Ala)

Gene: ARHGEF28 (Rho guanine nucleotide exchange factor 28; plus strand). Cytogenetic location: 5q13.2.
Variant type: single nucleotide variant.
Coding change: c.380G>C on transcript NM_001177693.2 (MANE Select); coding-DNA position 380, G replaced by C.
Protein change: p.Gly127Ala; replaces glycine 127 with alanine.
Molecular consequence: missense variant. On other transcripts: intron variant (1).
Genome position (GRCh38, 1-based): chr5:73,753,107, G>C. VCF-style: chr5-73753107-G-C. GRCh37 (hg19) VCF-style: chr5-73048932-G-C.
Other names: c.380G>C, p.Gly127Ala (NM_001080479.3, NM_001388078.1); c.181+3123G>C (NM_001388076.1); short protein forms G127A.
Identifiers: ClinVar variation 3037973 (VCV003037973.2), dbSNP rs200456357, ClinGen allele CA3304175.